The following is an entry in ClinVar:

NM_001242896.3(DEPDC5):c.522_525del (p.Ile175fs)

Gene: DEPDC5 (DEP domain containing 5, GATOR1 subcomplex subunit; plus strand). Cytogenetic location: 22q12.2.
Variant type: Microsatellite.
Coding change: c.522_525del on transcript NM_001242896.3 (MANE Select); coding-DNA positions 522 to 525, 4 bases deleted (TATT; older notation c.522_525delTATT).
Protein change: p.Ile175fs; shifts the reading frame from isoleucine 175.
Molecular consequence: frameshift variant. On other transcripts: non-coding transcript variant (5).
Genome position (GRCh38, 1-based): chr22:31,783,945-31,783,948, TATT deleted; deleting any 4 consecutive bases within chr22:31,783,941-31,783,948 gives the same sequence; the c. name uses the placement nearest the transcript's 3' end. VCF-style (leftmost placement, unchanged base first): chr22-31783940-ATATT-A. GRCh37 (hg19) VCF-style: chr22-32179926-ATATT-A.
Other names: c.522_525del, p.Ile175fs (NM_001364320.2, NM_001007188.4, NM_001136029.4 and 7 more transcripts); c.438_441del, p.Ile147fs (NM_001369901.1, NM_001369902.1); short protein forms I175fs, I147fs.
Identifiers: ClinVar variation 1949629 (VCV001949629.5), dbSNP rs2518364241, ClinGen allele CA2580615296.

ClinVar aggregate classification (germline): Pathogenic (1 of 4 stars; one submission).

Conditions:
Familial focal epilepsy with variable foci (FPEVF). Identifiers: Orphanet 98820, MedGen C1858477, MONDO:0020310.

Submission:

Labcorp Genetics (formerly Invitae), Labcorp
Classification: Pathogenic for Familial focal epilepsy with variable foci. Last evaluated: 2022-10-17. Review status: criteria provided, single submitter. Criteria: Invitae Variant Classification Sherloc (09022015). Collection method: clinical testing. Allele origin: germline.
Comment: Algorithms developed to predict the effect of sequence changes on RNA splicing suggest that this variant may create or strengthen a splice site. For these reasons, this variant has been classified as Pathogenic. This sequence change creates a premature translational stop signal (p.Ile175Argfs*2) in the DEPDC5 gene. It is expected to result in an absent or disrupted protein product. Loss-of-function variants in DEPDC5 are known to be pathogenic (PMID: 23542697, 23542701). This variant is not present in population databases (gnomAD no frequency). This variant has not been reported in the literature in individuals affected with DEPDC5-related conditions.

Literature cited by the submitters: PubMed 23542697; PubMed 23542701.